The following is an entry in ClinVar:

NM_000256.3(MYBPC3):c.2264A>T (p.Asn755Ile)

Gene: MYBPC3 (myosin binding protein C3; minus strand). Cytogenetic location: 11p11.2.
Variant type: single nucleotide variant.
Coding change: c.2264A>T on transcript NM_000256.3 (MANE Select); coding-DNA position 2264, A replaced by T.
Protein change: p.Asn755Ile; replaces asparagine 755 with isoleucine.
Molecular consequence: missense variant.
Genome position (GRCh38, 1-based): chr11:47,338,564, T>A on the plus strand (A>T on the coding strand, the complement: MYBPC3 is on the minus strand). VCF-style: chr11-47338564-T-A. GRCh37 (hg19) VCF-style: chr11-47360115-T-A.
Other names: short protein forms N755I.
Identifiers: ClinVar variation 3360470 (VCV003360470.1).

ClinVar aggregate classification (germline): Uncertain significance (1 of 4 stars; one submission).

Submission:

GeneDx
Classification: Uncertain significance. Last evaluated: 2023-06-27. Review status: criteria provided, single submitter. Criteria: GeneDx Variant Classification Process June 2021. Collection method: clinical testing. Allele origin: germline. Affected: yes.
Comment: Not observed at significant frequency in large population cohorts (gnomAD); In silico analysis supports that this missense variant has a deleterious effect on protein structure/function; Has not been previously published as pathogenic or benign to our knowledge